The following is an entry in ClinVar:

NM_000079.4(CHRNA1):c.353G>A (p.Gly118Asp)

Gene: CHRNA1 (cholinergic receptor nicotinic alpha 1 subunit; minus strand). Cytogenetic location: 2q31.1.
Variant type: single nucleotide variant.
Coding change: c.353G>A on transcript NM_000079.4 (MANE Select); coding-DNA position 353, G replaced by A.
Protein change: p.Gly118Asp; replaces glycine 118 with aspartic acid.
Molecular consequence: missense variant.
Genome position (GRCh38, 1-based): chr2:174,754,406, C>T on the plus strand (G>A on the coding strand, the complement: CHRNA1 is on the minus strand). VCF-style: chr2-174754406-C-T. GRCh37 (hg19) VCF-style: chr2-175619134-C-T.
Other names: c.428G>A, p.Gly143Asp (NM_001039523.3); short protein forms G118D, G143D.
Identifiers: ClinVar variation 3896801 (VCV003896801.1).

ClinVar aggregate classification (germline): Uncertain significance (1 of 4 stars; one submission).

Conditions:
Myasthenic syndrome, congenital, 1B, fast-channel. Also called: Fast-Channel Congenital Myasthenia Syndrome. Identifiers: Orphanet 590, MedGen C4225405, MONDO:0012156, OMIM 608930.

Submission:

Kariminejad - Najmabadi Pathology & Genetics Center
Classification: Uncertain significance for Myasthenic syndrome, congenital, 1B, fast-channel. Last evaluated: 2023-08-18. Review status: criteria provided, single submitter. Criteria: ACMG Guidelines, 2015. Collection method: clinical testing. Allele origin: germline. Inheritance: Autosomal recessive inheritance. Affected: yes.
Comment: PM2_Moderate,PP3